The following is an entry in ClinVar:

ClinVar aggregate classification (germline): Pathogenic (1 of 4 stars; one submission).

Conditions:
Marfan syndrome (MFS). Also called: MARFAN SYNDROME, TYPE I; Marfan syndrome type 1; Marfan's syndrome; Marfan syndrome, classic; FBN1-Related Marfan Syndrome. Identifiers: Orphanet 284963, Orphanet 558, MedGen C0024796, MONDO:0007947, OMIM 154700.
Familial thoracic aortic aneurysm and aortic dissection (TAAD). Also called: Thoracic aortic aneurysms and dissections. Identifiers: Orphanet 91387, MedGen C4707243, MONDO:0019625.

Submission:

Labcorp Genetics (formerly Invitae), Labcorp
Classification: Pathogenic for Marfan syndrome; Familial thoracic aortic aneurysm and aortic dissection. Last evaluated: 2023-12-25. Review status: criteria provided, single submitter. Criteria: Invitae Variant Classification Sherloc (09022015). Collection method: clinical testing. Allele origin: germline.
Comment: This sequence change creates a premature translational stop signal (p.Ala2714Leufs*38) in the FBN1 gene. While this is not anticipated to result in nonsense mediated decay, it is expected to disrupt the last 158 amino acid(s) of the FBN1 protein. This variant is not present in population databases (gnomAD no frequency). This variant has not been reported in the literature in individuals affected with FBN1-related conditions. This variant disrupts a region of the FBN1 protein in which other variant(s) (p.Met2864Lys) have been determined to be pathogenic (Invitae). This suggests that this is a clinically significant region of the protein, and that variants that disrupt it are likely to be disease-causing. For these reasons, this variant has been classified as Pathogenic.

NM_000138.5(FBN1):c.8140del (p.Ala2714fs)

Gene: FBN1 (fibrillin 1; minus strand). Cytogenetic location: 15q21.1.
Variant type: Deletion.
Coding change: c.8140del on transcript NM_000138.5 (MANE Select); coding-DNA position 8140, one base deleted (G; older notation c.8140delG).
Protein change: p.Ala2714fs; shifts the reading frame from alanine 2714.
Molecular consequence: frameshift variant.
Genome position (GRCh38, 1-based): chr15:48,412,655, C deleted on the plus strand (G on the coding strand, the reverse complement: FBN1 is on the minus strand); the first of 2 consecutive C bases (chr15:48,412,655-48,412,656); deleting either gives the same sequence. VCF-style (leftmost placement, unchanged base first): chr15-48412654-GC-G. GRCh37 (hg19) VCF-style: chr15-48704851-GC-G.
Other names: c.8140del, p.Ala2714fs (NM_001406716.1); short protein forms A2714fs.
Identifiers: ClinVar variation 2921488 (VCV002921488.3), dbSNP rs2505375500, ClinGen allele CA2740096607.